The following is an entry in ClinVar:

ClinVar aggregate classification (germline): Uncertain significance (1 of 4 stars; one submission).

Conditions:
Neuropathy, hereditary sensory, type 2C. Also called: KIF1A-Related HSAN2 (HSAN2C); Hereditary sensory and autonomic neuropathy type IIC. Identifiers: Orphanet 970, MedGen C3280168, MONDO:0013634, OMIM 614213.
Hereditary spastic paraplegia 30. Identifiers: Orphanet 101010, MedGen C5235139, MONDO:0012476.
Intellectual disability, autosomal dominant 9 (NESCAVS). Also called: NESCAV SYNDROME; KIF1A-Related Neurodevelopmental Disorder. Identifiers: Orphanet 662367, MedGen C5393830, MONDO:0013656, OMIM 614255.

Submission:

Labcorp Genetics (formerly Invitae), Labcorp
Classification: Uncertain significance for Hereditary spastic paraplegia 30; Neuropathy, hereditary sensory, type 2C; Intellectual disability, autosomal dominant 9. Last evaluated: 2023-11-03. Review status: criteria provided, single submitter. Criteria: Invitae Variant Classification Sherloc (09022015). Collection method: clinical testing. Allele origin: germline.
Comment: This sequence change replaces alanine, which is neutral and non-polar, with serine, which is neutral and polar, at codon 1231 of the KIF1A protein (p.Ala1231Ser). This variant is not present in population databases (gnomAD no frequency). This variant has not been reported in the literature in individuals affected with KIF1A-related conditions. Advanced modeling of protein sequence and biophysical properties (such as structural, functional, and spatial information, amino acid conservation, physicochemical variation, residue mobility, and thermodynamic stability) performed at Invitae indicates that this missense variant is not expected to disrupt KIF1A protein function with a negative predictive value of 95%. In summary, the available evidence is currently insufficient to determine the role of this variant in disease. Therefore, it has been classified as a Variant of Uncertain Significance.

NM_001244008.2(KIF1A):c.3994G>T (p.Ala1332Ser)

Gene: KIF1A (kinesin family member 1A; minus strand). Cytogenetic location: 2q37.3.
Variant type: single nucleotide variant.
Coding change: c.3994G>T on transcript NM_001244008.2 (MANE Select); coding-DNA position 3994, G replaced by T.
Protein change: p.Ala1332Ser; replaces alanine 1332 with serine.
Molecular consequence: missense variant.
Genome position (GRCh38, 1-based): chr2:240,737,076, C>A on the plus strand (G>T on the coding strand, the complement: KIF1A is on the minus strand). VCF-style: chr2-240737076-C-A. GRCh37 (hg19) VCF-style: chr2-241676493-C-A.
Other names: c.3718G>T, p.Ala1240Ser (NM_001320705.2, NM_001330289.2, NM_001379638.1); c.3793G>T, p.Ala1265Ser (NM_001330290.2, NM_001379634.1, NM_001379635.1 and 1 more transcripts); c.4069G>T, p.Ala1357Ser (NM_001379631.1); c.3943G>T, p.Ala1315Ser (NM_001379632.1); c.3967G>T, p.Ala1323Ser (NM_001379633.1, NM_001379642.1, NM_001379645.1); c.3805G>T, p.Ala1269Ser (NM_001379636.1); c.3766G>T, p.Ala1256Ser (NM_001379637.1, NM_001379648.1); c.3691G>T, p.Ala1231Ser (NM_001379639.1, NM_001379641.1, NM_001379649.1 and 5 more transcripts); and 1 more; short protein forms A1230S, A1231S, A1240S, A1256S, A1265S, A1269S, A1332S, A1357S.
Identifiers: ClinVar variation 2953535 (VCV002953535.3), dbSNP rs2537079155, ClinGen allele CA351312419.